The following is an entry in ClinVar:

ClinVar aggregate classification (germline): Pathogenic. Review status: criteria provided, multiple submitters, no conflicts (2 of 4 stars). 4 submissions from 4 submitters: Pathogenic (3). 1 of the submissions does not count toward it. Last evaluated 2023-07-28.

Conditions:
GPC3-related disorders.
Simpson-Golabi-Behmel syndrome type 1 (SGBS1). Also called: GPC3-Related Simpson-Golabi-Behmel Syndrome Type 1; DYSPLASIA GIGANTISM SYNDROME, X-LINKED; GOLABI-ROSEN SYNDROME; SIMPSON DYSMORPHIA SYNDROME; BULLDOG SYNDROME. Identifiers: Orphanet 373, MedGen C0796154, MONDO:0020602, OMIM 312870.
Wilms tumor 1 (WT1). Also called: Wilms tumor, somatic. Identifiers: Orphanet 654, MedGen CN033288, MONDO:0008679, OMIM 194070.

Submissions (4):

Blueprint Genetics
Classification: Pathogenic for GPC3-related disorders. Last evaluated: 2023-07-28. Review status: criteria provided, single submitter. Criteria: ACMG Guidelines, 2015. Collection method: clinical testing. Allele origin: germline. Affected: yes. Observed: 2 variant alleles.

Labcorp Genetics (formerly Invitae), Labcorp
Classification: Pathogenic for Wilms tumor 1. Last evaluated: 2022-03-12. Review status: criteria provided, single submitter. Criteria: Invitae Variant Classification Sherloc (09022015). Collection method: clinical testing. Allele origin: germline.
Comment: This sequence change creates a premature translational stop signal (p.Arg199*) in the GPC3 gene. It is expected to result in an absent or disrupted protein product. Loss-of-function variants in GPC3 are known to be pathogenic (PMID: 10402475, 12713262, 17603795). This premature translational stop signal has been observed in individual(s) with Simpson-Golabi-Behmel syndrome (PMID: 10814714). This variant is not present in population databases (gnomAD no frequency). ClinVar contains an entry for this variant (Variation ID: 11689). For these reasons, this variant has been classified as Pathogenic.

GeneDx
Classification: Pathogenic. Last evaluated: 2019-11-04. Review status: criteria provided, single submitter. Criteria: GeneDx Variant Classification Process June 2021. Collection method: clinical testing. Allele origin: germline. Affected: yes.
Comment: Nonsense variant predicted to result in protein truncation or nonsense mediated decay in a gene for which loss-of-function is a known mechanism of disease; Not observed in large population cohorts (Lek et al., 2016); This variant is associated with the following publications: (PMID: 25525159, 29637653, 26633542, 10814714)

OMIM
Classification: Pathogenic for SIMPSON-GOLABI-BEHMEL SYNDROME, TYPE 1. Last evaluated: 2000-05-22. Review status: no assertion criteria provided. Collection method: literature only. Allele origin: germline. Not counted in ClinVar's aggregate classification.

Literature cited by the submitters: PubMed 10402475 (cited by Labcorp Genetics (formerly Invitae), Labcorp); PubMed 12713262 (cited by Labcorp Genetics (formerly Invitae), Labcorp); PubMed 17603795 (cited by Labcorp Genetics (formerly Invitae), Labcorp); PubMed 10814714 (cited by Labcorp Genetics (formerly Invitae), Labcorp and OMIM).

NM_004484.4(GPC3):c.595C>T (p.Arg199Ter)

Gene: GPC3 (glypican 3; minus strand). Cytogenetic location: Xq26.2.
Variant type: single nucleotide variant.
Coding change: c.595C>T on transcript NM_004484.4 (MANE Select); coding-DNA position 595, C replaced by T.
Protein change: p.Arg199Ter; replaces arginine 199 with a stop codon.
Molecular consequence: nonsense.
Genome position (GRCh38, 1-based): chrX:133,753,919, G>A on the plus strand (C>T on the coding strand, the complement: GPC3 is on the minus strand). VCF-style: chrX-133753919-G-A. GRCh37 (hg19) VCF-style: chrX-132887946-G-A.
Other names: c.595C>T, p.Arg199Ter (NM_001164617.2); c.547C>T, p.Arg183Ter (NM_001164618.2); c.433C>T, p.Arg145Ter (NM_001164619.2); short protein forms R199*, R145*, R183*.
Identifiers: ClinVar variation 11689 (VCV000011689.15), dbSNP rs104894855, ClinGen allele CA255988.
Genomic context (GRCh38, chrX:133,753,919, plus strand): 5'-CCTGGGTCATAATAAGCTTGGGGAAATTCCCAAATACTTTCAGGTCACGTCTTGCTCCTC[G>A]GAGGCACTCATTGATGTCCAAGGCTGAATCAGGCAGGCCTGGGTTCATTAGCTGGGTATA-3'